The following is an entry in ClinVar:

ClinVar aggregate classification (germline): Conflicting classifications of pathogenicity. Review status: criteria provided, conflicting classifications (1 of 4 stars). 4 submissions from 4 submitters: Uncertain significance (3); Likely benign (1). Last evaluated 2025-05-01.

Conditions:
Primary ciliary dyskinesia 5. Also called: CILIARY DYSKINESIA, PRIMARY, 5, WITHOUT SITUS INVERSUS. Identifiers: Orphanet 244, MedGen C1837615, MONDO:0012088, OMIM 608647.

Allele frequency attached by ClinVar (database versions not stated): 1000 Genomes Project 30x 0.00016; ESP Exome Variant Server 0.00077; TOPMed 0.00080; gnomAD exomes 0.00081 and 0.00145; ExAC 0.00082; gnomAD 0.00102.
gnomAD v4.1: 2,170 of 1,561,522 alleles (0.14%); highest among the groups gnomAD compares: Non-Finnish European, 0.17%; 2 homozygotes.

Submissions (4):

GeneDx
Classification: Uncertain significance. Last evaluated: 2025-05-01. Review status: criteria provided, single submitter. Criteria: GeneDx Variant Classification Process June 2021. Collection method: clinical testing. Allele origin: germline. Affected: yes.
Comment: In silico analysis supports that this missense variant has a deleterious effect on protein structure/function; Has not been previously published as pathogenic or benign to our knowledge

Blueprint Genetics
Classification: Likely benign. Last evaluated: 2024-11-20. Review status: criteria provided, single submitter. Criteria: ACMG Guidelines, 2015. Collection method: clinical testing. Allele origin: germline.

Genetics and Molecular Pathology, SA Pathology
Classification: Uncertain significance for Primary ciliary dyskinesia 5. Last evaluated: 2019-08-27. Review status: criteria provided, single submitter. Criteria: ACMG Guidelines, 2015. Collection method: clinical testing. Allele origin: germline. Inheritance: Autosomal recessive inheritance. Affected: yes.

Johns Hopkins Genomics, Johns Hopkins University
Classification: Uncertain significance for Primary ciliary dyskinesia 5. Last evaluated: 2019-07-08. Review status: criteria provided, single submitter. Criteria: ACMG Guidelines, 2015. Collection method: clinical testing. Allele origin: germline.
Comment: This HYDIN variant (rs200260585) has been identified in a large population dataset and the minor allele frequency is neither low enough to consider the variant rare (<0.1%) nor high enough to consider it a population polymorphism (>1%) within the European (non-Finnish) subpopulation (gnomAD: 156/112840 alleles; 0.14%, no homozygotes). HYDIN c.11047C>T has not been reported in ClinVar nor the literature, to our knowledge. Two bioinformatic tools queried predict that this substitution would be damaging, and the arginine residue at this position is highly evolutionarily conserved across most species assessed. The clinical significance of c.11047C>T is uncertain at this time.

NM_001270974.2(HYDIN):c.11047C>T (p.Arg3683Trp)

Gene: HYDIN (HYDIN axonemal central pair apparatus protein; minus strand). Cytogenetic location: 16q22.2.
Variant type: single nucleotide variant.
Coding change: c.11047C>T on transcript NM_001270974.2 (MANE Select); coding-DNA position 11047, C replaced by T.
Protein change: p.Arg3683Trp; replaces arginine 3683 with tryptophan.
Molecular consequence: missense variant.
Genome position (GRCh38, 1-based): chr16:70,872,081, G>A on the plus strand (C>T on the coding strand, the complement: HYDIN is on the minus strand). VCF-style: chr16-70872081-G-A. GRCh37 (hg19) VCF-style: chr16-70905984-G-A.
Other names: c.11047C>T (NM_001270974.1); short protein forms R3683W.
Identifiers: ClinVar variation 691975 (VCV000691975.6), dbSNP rs200260585, ClinGen allele CA8149132.